The following is an entry in ClinVar:

ClinVar aggregate classification (germline): Uncertain significance (1 of 4 stars; one submission).

Conditions:
Developmental and epileptic encephalopathy. Identifiers: MedGen C5779964, MONDO:0100620.

Submission:

Labcorp Genetics (formerly Invitae), Labcorp
Classification: Uncertain significance for Early-infantile DEE. Last evaluated: 2022-07-12. Review status: criteria provided, single submitter. Criteria: Invitae Variant Classification Sherloc (09022015). Collection method: clinical testing. Allele origin: germline.
Comment: In summary, the available evidence is currently insufficient to determine the role of this variant in disease. Therefore, it has been classified as a Variant of Uncertain Significance. This variant has not been reported in the literature in individuals affected with KCNQ2-related conditions. This variant is a gross deletion of the genomic region encompassing exon(s) 2-11 of the KCNQ2 gene. This variant would be expected to be in-frame, preserving the integrity of the reading frame.

NC_000020.11:g.(?_63424157)_(63446857_?)dup

Gene: KCNQ2 (potassium voltage-gated channel subfamily Q member 2; minus strand). Cytogenetic location: 20q13.33.
Variant type: Duplication.
Identifiers: ClinVar variation 830402 (VCV000830402.7).